The following is an entry in ClinVar:

ClinVar aggregate classification (germline): Uncertain significance. Review status: criteria provided, multiple submitters, no conflicts (2 of 4 stars). 2 submissions from 2 submitters: Uncertain significance (2). Last evaluated 2026-06-29.

Submissions (2):

Women's Health and Genetics/Laboratory Corporation of America, LabCorp
Classification: Uncertain significance. Last evaluated: 2026-06-29. Review status: criteria provided, single submitter. Criteria: LabCorp Variant Classification Summary - May 2015. Collection method: clinical testing. Allele origin: germline.

GeneDx
Classification: Uncertain significance. Last evaluated: 2024-06-26. Review status: criteria provided, single submitter. Criteria: GeneDx Variant Classification Process June 2021. Collection method: clinical testing. Allele origin: germline. Affected: yes.
Comment: Not observed at significant frequency in large population cohorts (gnomAD); In silico analysis supports that this missense variant has a deleterious effect on protein structure/function; Has not been previously published as pathogenic or benign to our knowledge

NM_080605.4(B3GALT6):c.352G>A (p.Asp118Asn)

Gene: B3GALT6 (beta-1,3-galactosyltransferase 6; plus strand). Cytogenetic location: 1p36.33.
Variant type: single nucleotide variant.
Coding change: c.352G>A on transcript NM_080605.4 (MANE Select); coding-DNA position 352, G replaced by A.
Protein change: p.Asp118Asn; replaces aspartic acid 118 with asparagine.
Molecular consequence: missense variant.
Genome position (GRCh38, 1-based): chr1:1,232,630, G>A. VCF-style: chr1-1232630-G-A. GRCh37 (hg19) VCF-style: chr1-1168010-G-A.
Other names: short protein forms D118N.
Identifiers: ClinVar variation 3392887 (VCV003392887.2).